The following is an entry in ClinVar:

ClinVar aggregate classification (germline): Uncertain significance (1 of 4 stars; one submission).

Submission:

Labcorp Genetics (formerly Invitae), Labcorp
Classification: Uncertain significance. Last evaluated: 2022-07-06. Review status: criteria provided, single submitter. Criteria: Invitae Variant Classification Sherloc (09022015). Collection method: clinical testing. Allele origin: germline.
Comment: This sequence change replaces arginine, which is basic and polar, with serine, which is neutral and polar, at codon 36 of the RORB protein (p.Arg36Ser). This variant is not present in population databases (gnomAD no frequency). In summary, the available evidence is currently insufficient to determine the role of this variant in disease. Therefore, it has been classified as a Variant of Uncertain Significance. Algorithms developed to predict the effect of missense changes on protein structure and function (SIFT, PolyPhen-2, Align-GVGD) all suggest that this variant is likely to be disruptive. ClinVar contains an entry for this variant (Variation ID: 1418713). This variant has not been reported in the literature in individuals affected with RORB-related conditions.

NM_006914.4(RORB):c.108G>C (p.Arg36Ser)

Gene: RORB (RAR related orphan receptor B; plus strand). Cytogenetic location: 9q21.13.
Variant type: single nucleotide variant.
Coding change: c.108G>C on transcript NM_006914.4 (MANE Select); coding-DNA position 108, G replaced by C.
Protein change: p.Arg36Ser; replaces arginine 36 with serine.
Molecular consequence: missense variant.
Genome position (GRCh38, 1-based): chr9:74,634,645, G>C. VCF-style: chr9-74634645-G-C. GRCh37 (hg19) VCF-style: chr9-77249561-G-C.
Other names: c.141G>C, p.Arg47Ser (NM_001365023.1); short protein forms R47S, R36S.
Identifiers: ClinVar variation 1418713 (VCV001418713.8), dbSNP rs2118433051, ClinGen allele CA373772107.